The following is an entry in ClinVar:

ClinVar aggregate classification (germline): Uncertain significance (1 of 4 stars; one submission).

Conditions:
Epileptic encephalopathy. Identifiers: MedGen C0543888, HP:0200134.

Allele frequency attached by ClinVar (database versions not stated): gnomAD exomes 0.00002 and 0.00003; ExAC 0.00003.

Submission:

Labcorp Genetics (formerly Invitae), Labcorp
Classification: Uncertain significance for Epileptic encephalopathy. Last evaluated: 2024-02-16. Review status: criteria provided, single submitter. Criteria: Invitae Variant Classification Sherloc (09022015). Collection method: clinical testing. Allele origin: germline.
Comment: This sequence change replaces alanine, which is neutral and non-polar, with threonine, which is neutral and polar, at codon 1226 of the FASN protein (p.Ala1226Thr). This variant is present in population databases (rs756978037, gnomAD 0.004%). This variant has not been reported in the literature in individuals affected with FASN-related conditions. ClinVar contains an entry for this variant (Variation ID: 1382369). An algorithm developed to predict the effect of missense changes on protein structure and function (PolyPhen-2) suggests that this variant is likely to be tolerated. In summary, the available evidence is currently insufficient to determine the role of this variant in disease. Therefore, it has been classified as a Variant of Uncertain Significance.

NM_004104.5(FASN):c.3676G>A (p.Ala1226Thr)

Gene: FASN (fatty acid synthase; minus strand). Cytogenetic location: 17q25.3.
Variant type: single nucleotide variant.
Coding change: c.3676G>A on transcript NM_004104.5 (MANE Select); coding-DNA position 3676, G replaced by A.
Protein change: p.Ala1226Thr; replaces alanine 1226 with threonine.
Molecular consequence: missense variant.
Genome position (GRCh38, 1-based): chr17:82,086,310, C>T on the plus strand (G>A on the coding strand, the complement: FASN is on the minus strand). VCF-style: chr17-82086310-C-T. GRCh37 (hg19) VCF-style: chr17-80044186-C-T.
Other names: short protein forms A1226T.
Identifiers: ClinVar variation 1382369 (VCV001382369.8), dbSNP rs756978037, ClinGen allele CA8852308.